The following is an entry in ClinVar:

NM_001267550.2(TTN):c.11312-4095G>T

Gene: TTN (titin; minus strand). Cytogenetic location: 2q31.2.
Variant type: single nucleotide variant.
Coding change: c.11312-4095G>T on transcript NM_001267550.2 (MANE Select); 4095 bases into the intron before coding-DNA position 11312, G replaced by T.
Molecular consequence: intron variant. On other transcripts: missense variant (1).
Genome position (GRCh38, 1-based): chr2:178,746,016, C>A on the plus strand (G>T on the coding strand, the complement: TTN is on the minus strand). VCF-style: chr2-178746016-C-A. GRCh37 (hg19) VCF-style: chr2-179610743-C-A.
Other names: c.16384G>T, p.Ala5462Ser (NM_133379.5); c.10223-4095G>T (NM_003319.4); c.10799-4095G>T (NM_133437.4); c.10598-4095G>T (NM_133432.3); c.10360+7108G>T (NM_133378.4); c.10361-4095G>T (NM_001256850.1); short protein forms A5462S.
Identifiers: ClinVar variation 2636416 (VCV002636416.1), dbSNP rs876658106, ClinGen allele CA349629097.

ClinVar aggregate classification (germline): Uncertain significance (1 of 4 stars; one submission).

Conditions:
TTN-related disorder. Also called: TTN-related condition; TTN-related disease; TTN-related disorders.

gnomAD v4.1: 14 of 1,613,294 alleles (0.00087%); highest among the groups gnomAD compares: Non-Finnish European, 0.0011%; no homozygotes.

Submission:

PreventionGenetics, part of Exact Sciences
Classification: Uncertain significance for TTN-related condition. Last evaluated: 2022-08-19. Review status: criteria provided, single submitter. Criteria: ACMG Guidelines, 2015. Collection method: clinical testing. Allele origin: germline.
Comment: The TTN c.16384G>T variant is predicted to result in the amino acid substitution p.Ala5462Ser. To our knowledge, this variant has not been reported in the literature or in a large population database, indicating this variant is rare. At this time, the clinical significance of this variant is uncertain due to the absence of conclusive functional and genetic evidence.